The following is an entry in ClinVar:

NM_001004334.4(GPR179):c.1847A>C (p.His616Pro)

Gene: GPR179 (G protein-coupled receptor 179; minus strand). Cytogenetic location: 17q12.
Variant type: single nucleotide variant.
Coding change: c.1847A>C on transcript NM_001004334.4 (MANE Select); coding-DNA position 1847, A replaced by C.
Protein change: p.His616Pro; replaces histidine 616 with proline.
Molecular consequence: missense variant.
Genome position (GRCh38, 1-based): chr17:38,333,976, T>G on the plus strand (A>C on the coding strand, the complement: GPR179 is on the minus strand). VCF-style: chr17-38333976-T-G. GRCh37 (hg19) VCF-style: chr17-36489859-T-G.
Other names: short protein forms H616P.
Identifiers: ClinVar variation 1446168 (VCV001446168.5), dbSNP rs1198399901, ClinGen allele CA398885794.
Genomic context (GRCh38, chr17:38,333,976, plus strand): 5'-GGAGGGGAGGGCCTCACCTTAGGGATGAAGATCAGAGCCAGCGTGGTGGTGACTGTGCTG[T>G]GGGTGTGGAAGAAGAAGAGGAGGAGGGTCCAGTCCGGGTGCAGAGAGGGAACCAGCACAA-3'
Protein context (NP_001004334.3, residues 606-626): WTLLLFFFHT[His616Pro]STVTTTLALI

ClinVar aggregate classification (germline): Uncertain significance (1 of 4 stars; one submission).

Allele frequency attached by ClinVar (database versions not stated): gnomAD exomes below 0.00001 and 0.00001; gnomAD 0.00001.

Submission:

Labcorp Genetics (formerly Invitae), Labcorp
Classification: Uncertain significance. Last evaluated: 2023-07-03. Review status: criteria provided, single submitter. Criteria: Invitae Variant Classification Sherloc (09022015). Collection method: clinical testing. Allele origin: germline.
Comment: In summary, the available evidence is currently insufficient to determine the role of this variant in disease. Therefore, it has been classified as a Variant of Uncertain Significance. An algorithm developed to predict the effect of missense changes on protein structure and function (PolyPhen-2) suggests that this variant is likely to be disruptive. ClinVar contains an entry for this variant (Variation ID: 1446168). This variant has not been reported in the literature in individuals affected with GPR179-related conditions. This variant is present in population databases (no rsID available, gnomAD 0.003%). This sequence change replaces histidine, which is basic and polar, with proline, which is neutral and non-polar, at codon 616 of the GPR179 protein (p.His616Pro).